The following is an entry in ClinVar:

ClinVar aggregate classification (germline): Uncertain significance (1 of 4 stars; one submission).

Submission:

GeneDx
Classification: Uncertain significance. Last evaluated: 2023-02-12. Review status: criteria provided, single submitter. Criteria: GeneDx Variant Classification Process June 2021. Collection method: clinical testing. Allele origin: germline. Affected: yes.
Comment: Not observed in large population cohorts (gnomAD); In silico analysis supports that this missense variant does not alter protein structure/function; Has not been previously published as pathogenic or benign to our knowledge

NM_005676.5(RBM10):c.1673A>G (p.Gln558Arg)

Gene: RBM10 (RNA binding motif protein 10; plus strand). Cytogenetic location: Xp11.3.
Variant type: single nucleotide variant.
Coding change: c.1673A>G on transcript NM_005676.5 (MANE Select); coding-DNA position 1673, A replaced by G.
Protein change: p.Gln558Arg; replaces glutamine 558 with arginine.
Molecular consequence: missense variant.
Genome position (GRCh38, 1-based): chrX:47,181,846, A>G. VCF-style: chrX-47181846-A-G. GRCh37 (hg19) VCF-style: chrX-47041245-A-G.
Other names: c.1442A>G, p.Gln481Arg (NM_001204466.2); c.1670A>G, p.Gln557Arg (NM_001204467.2); c.1868A>G, p.Gln623Arg (NM_001204468.2); c.1439A>G, p.Gln480Arg (NM_152856.3); short protein forms Q480R, Q481R, Q557R, Q558R, Q623R.
Identifiers: ClinVar variation 1314487 (VCV001314487.2), dbSNP rs2147193370, ClinGen allele CA412803291.